The following is an entry in ClinVar:

ClinVar aggregate classification (germline): Uncertain significance. Review status: reviewed by expert panel (3 of 4 stars). 2 submissions from 2 submitters: Uncertain significance (1). 1 of the submissions does not count toward it. Last evaluated 2026-05-27.

Conditions:
Hereditary thrombocytopenia and hematologic cancer predisposition syndrome. Identifiers: Orphanet 71290, MedGen CN281654, MONDO:0011071.
Inborn genetic diseases. Identifiers: MedGen C0950123, MeSH D030342.

gnomAD v4.1: 1 of 1,614,018 alleles (0.000062%); highest among the groups gnomAD compares: Non-Finnish European, 0.000085%; no homozygotes.

Submissions (2):

ClinGen Myeloid Malignancy Variant Curation Expert Panel
Classification: Uncertain significance for Hereditary thrombocytopenia and hematologic cancer predisposition syndrome. Last evaluated: 2026-05-27. Review status: reviewed by expert panel. Criteria: ClinGen MyeloMalig ACMG Specifications V3.1. Collection method: curation. Allele origin: germline. Inheritance: Autosomal dominant inheritance.
Comment: NM_001754.5:c.29T>A (p.Phe10Tyr) is a missense variant which has a MAF ≤ 0.00005 in gnomAD v4 across all subpopulations with at least 20x coverage for RUNX1 (PM2_Supporting) and has a REVEL score < 0.50 (0.40)(BP4). In summary, the clinical significance of this variant is uncertain. ACMG/AMP criteria applied, as specified by the Myeloid Malignancy Variant Curation Expert Panel for RUNX1: PM2_Supporting, BP4.

Ambry Genetics
Classification: Uncertain significance for Inborn genetic diseases. Last evaluated: 2025-07-05. Review status: criteria provided, single submitter. Criteria: Ambry Variant Classification Scheme 2023. Collection method: clinical testing. Allele origin: germline. Not counted in ClinVar's aggregate classification.
Comment: The p.F10Y variant (also known as c.29T>A), located in coding exon 1 of the RUNX1 gene, results from a T to A substitution at nucleotide position 29. The phenylalanine at codon 10 is replaced by tyrosine, an amino acid with highly similar properties. This amino acid position is conserved. In addition, the in silico prediction for this alteration is inconclusive. Based on the available evidence, the clinical significance of this variant remains unclear.

NM_001754.5(RUNX1):c.29T>A (p.Phe10Tyr)

Gene: RUNX1 (RUNX family transcription factor 1; minus strand). Cytogenetic location: 21q22.12.
Variant type: single nucleotide variant.
Coding change: c.29T>A on transcript NM_001754.5 (MANE Select); coding-DNA position 29, T replaced by A.
Protein change: p.Phe10Tyr; replaces phenylalanine 10 with tyrosine.
Molecular consequence: missense variant.
Genome position (GRCh38, 1-based): chr21:35,048,871, A>T on the plus strand (T>A on the coding strand, the complement: RUNX1 is on the minus strand). VCF-style: chr21-35048871-A-T. GRCh37 (hg19) VCF-style: chr21-36421168-A-T.
Other names: NM_001754.5(RUNX1):c.29T>A; p.Phe10Tyr; short protein forms F10Y.
Identifiers: ClinVar variation 4158197 (VCV004158197.2).